The following is an entry in ClinVar:

NM_017613.4(DONSON):c.701G>A (p.Arg234His)

Gene: DONSON (DNA replication fork stabilization factor DONSON; minus strand). Cytogenetic location: 21q22.11.
Variant type: single nucleotide variant.
Coding change: c.701G>A on transcript NM_017613.4 (MANE Select); coding-DNA position 701, G replaced by A.
Protein change: p.Arg234His; replaces arginine 234 with histidine.
Molecular consequence: missense variant.
Genome position (GRCh38, 1-based): chr21:33,584,674, C>T on the plus strand (G>A on the coding strand, the complement: DONSON is on the minus strand). VCF-style: chr21-33584674-C-T. GRCh37 (hg19) VCF-style: chr21-34956980-C-T.
Other names: c.701G>A (NM_017613.2); short protein forms R234H.
Identifiers: ClinVar variation 1304273 (VCV001304273.3), dbSNP rs1435700392, ClinGen allele CA410139111.

ClinVar aggregate classification (germline): Uncertain significance. Review status: criteria provided, multiple submitters, no conflicts (2 of 4 stars). 2 submissions from 2 submitters: Uncertain significance (2). Last evaluated 2024-10-28.

Conditions:
Inborn genetic diseases. Identifiers: MedGen C0950123, MeSH D030342.

Allele frequency attached by ClinVar (database versions not stated): TOPMed below 0.00001.
gnomAD v4.1: 11 of 1,613,074 alleles (0.00068%); highest among the groups gnomAD compares: South Asian, 0.0022%; no homozygotes.

Submissions (2):

Ambry Genetics
Classification: Uncertain significance for Inborn genetic diseases. Last evaluated: 2024-10-28. Review status: criteria provided, single submitter. Criteria: Ambry Variant Classification Scheme 2023. Collection method: clinical testing. Allele origin: germline.

GeneDx
Classification: Uncertain significance. Last evaluated: 2019-09-09. Review status: criteria provided, single submitter. Criteria: GeneDx Variant Classification Process June 2021. Collection method: clinical testing. Allele origin: germline. Affected: yes.
Comment: Has not been previously published as pathogenic or benign to our knowledge; In silico analysis, which includes protein predictors and evolutionary conservation, supports a deleterious effect; No data available from control populations to assess the frequency of this variant